The following is an entry in ClinVar:

NM_001376.5(DYNC1H1):c.12181G>A (p.Glu4061Lys)

Gene: DYNC1H1 (dynein cytoplasmic 1 heavy chain 1; plus strand). Cytogenetic location: 14q32.31.
Variant type: single nucleotide variant.
Coding change: c.12181G>A on transcript NM_001376.5 (MANE Select); coding-DNA position 12181, G replaced by A.
Protein change: p.Glu4061Lys; replaces glutamic acid 4061 with lysine.
Molecular consequence: missense variant.
Genome position (GRCh38, 1-based): chr14:102,042,091, G>A. VCF-style: chr14-102042091-G-A. GRCh37 (hg19) VCF-style: chr14-102508428-G-A.
Other names: short protein forms E4061K.
Identifiers: ClinVar variation 210865 (VCV000210865.9), dbSNP rs797045530, ClinGen allele CA205535.
Genomic context (GRCh38, chr14:102,042,091, plus strand): 5'-GTCTTAATGTGCTCTGTGCCTGGTTATGATGCCAGTGGACATGTCGAGGACCTTGCAGCC[G>A]AGCAGAACACGCAGATCACTTCAATTGCAATCGGTAAGGATGCTTGAGGGGCTTCATGGG-3'
Protein context (NP_001367.2, residues 4051-4071): ASGHVEDLAA[Glu4061Lys]QNTQITSIAI

ClinVar aggregate classification (germline): Uncertain significance. Review status: criteria provided, multiple submitters, no conflicts (2 of 4 stars). 2 submissions from 2 submitters: Uncertain significance (2). Last evaluated 2025-02-10.

Conditions:
Charcot-Marie-Tooth disease axonal type 2O. Also called: Charcot-Marie-Tooth disease, axonal, type 20; CHARCOT-MARIE-TOOTH NEUROPATHY, AXONAL, TYPE 2O; CHARCOT-MARIE-TOOTH DISEASE, AXONAL, AUTOSOMAL DOMINANT, TYPE 2O; Charcot-Marie-Tooth Neuropathy Type 2O. Identifiers: Orphanet 284232, MedGen C3280220, MONDO:0013644, OMIM 614228.

Allele frequency attached by ClinVar (database versions not stated): gnomAD exomes below 0.00001.
gnomAD v4.1: 6 of 1,614,054 alleles (0.00037%); highest among the groups gnomAD compares: Non-Finnish European, 0.00051%; no homozygotes.

Submissions (2):

Labcorp Genetics (formerly Invitae), Labcorp
Classification: Uncertain significance for Charcot-Marie-Tooth disease axonal type 2O. Last evaluated: 2025-02-10. Review status: criteria provided, single submitter. Criteria: Invitae Variant Classification Sherloc (09022015). Collection method: clinical testing. Allele origin: germline.
Comment: This sequence change replaces glutamic acid, which is acidic and polar, with lysine, which is basic and polar, at codon 4061 of the DYNC1H1 protein (p.Glu4061Lys). This variant is not present in population databases (gnomAD no frequency). This variant has not been reported in the literature in individuals affected with DYNC1H1-related conditions. ClinVar contains an entry for this variant (Variation ID: 210865). Invitae Evidence Modeling of protein sequence and biophysical properties (such as structural, functional, and spatial information, amino acid conservation, physicochemical variation, residue mobility, and thermodynamic stability) indicates that this missense variant is not expected to disrupt DYNC1H1 protein function with a negative predictive value of 95%. In summary, the available evidence is currently insufficient to determine the role of this variant in disease. Therefore, it has been classified as a Variant of Uncertain Significance.

Genetic Services Laboratory, University of Chicago
Classification: Uncertain significance. Last evaluated: 2015-05-26. Review status: criteria provided, single submitter. Criteria: ACMG Guidelines, 2015. Collection method: clinical testing. Allele origin: germline.